The following is an entry in ClinVar:

ClinVar aggregate classification (germline): Uncertain significance. Review status: criteria provided, multiple submitters, no conflicts (2 of 4 stars). 2 submissions from 2 submitters: Uncertain significance (2). Last evaluated 2023-10-26.

Conditions:
RASopathy. Also called: Noonan spectrum disorder; rasopathies. Identifiers: Orphanet 536391, MedGen C5555857, MONDO:0021060.

gnomAD v4.1: 2 of 1,614,126 alleles (0.00012%); highest among the groups gnomAD compares: Non-Finnish European, 0.00017%; no homozygotes.

Submissions (2):

GeneDx
Classification: Uncertain significance. Last evaluated: 2023-10-26. Review status: criteria provided, single submitter. Criteria: GeneDx Variant Classification Process June 2021. Collection method: clinical testing. Allele origin: germline. Affected: yes.
Comment: Not observed at significant frequency in large population cohorts (gnomAD); In silico analysis supports that this missense variant has a deleterious effect on protein structure/function; Has not been previously published as pathogenic or benign to our knowledge; This variant is associated with the following publications: (PMID: 20619386)

Labcorp Genetics (formerly Invitae), Labcorp
Classification: Uncertain significance for RASopathy. Last evaluated: 2023-01-19. Review status: criteria provided, single submitter. Criteria: Invitae Variant Classification Sherloc (09022015). Collection method: clinical testing. Allele origin: germline.
Comment: In summary, the available evidence is currently insufficient to determine the role of this variant in disease. Therefore, it has been classified as a Variant of Uncertain Significance. Advanced modeling of protein sequence and biophysical properties (such as structural, functional, and spatial information, amino acid conservation, physicochemical variation, residue mobility, and thermodynamic stability) has been performed at Invitae for this missense variant, however the output from this modeling did not meet the statistical confidence thresholds required to predict the impact of this variant on CBL protein function. This variant has not been reported in the literature in individuals affected with CBL-related conditions. This variant is not present in population databases (gnomAD no frequency). This sequence change replaces proline, which is neutral and non-polar, with alanine, which is neutral and non-polar, at codon 494 of the CBL protein (p.Pro494Ala).

NM_005188.4(CBL):c.1480C>G (p.Pro494Ala)

Gene: CBL (Cbl proto-oncogene; plus strand). Cytogenetic location: 11q23.3.
Variant type: single nucleotide variant.
Coding change: c.1480C>G on transcript NM_005188.4 (MANE Select); coding-DNA position 1480, C replaced by G.
Protein change: p.Pro494Ala; replaces proline 494 with alanine.
Molecular consequence: missense variant.
Genome position (GRCh38, 1-based): chr11:119,285,017, C>G. VCF-style: chr11-119285017-C-G. GRCh37 (hg19) VCF-style: chr11-119155727-C-G.
Other names: c.1480C>G (NM_005188.2); short protein forms P494A.
Identifiers: ClinVar variation 2822555 (VCV002822555.4), dbSNP rs767559244, ClinGen allele CA382917980.